The following is an entry in ClinVar:

NM_025150.5(TARS2):c.1719-20C>G

Gene: TARS2 (threonyl-tRNA synthetase 2, mitochondrial; plus strand). Cytogenetic location: 1q21.2.
Variant type: single nucleotide variant.
Coding change: c.1719-20C>G on transcript NM_025150.5 (MANE Select); 20 bases into the intron before coding-DNA position 1719, C replaced by G.
Molecular consequence: intron variant.
Genome position (GRCh38, 1-based): chr1:150,504,612, C>G. VCF-style: chr1-150504612-C-G. GRCh37 (hg19) VCF-style: chr1-150477088-C-G.
Other names: c.1473-20C>G (NM_001271895.2); c.1329-20C>G (NM_001271896.2).
Identifiers: ClinVar variation 385038 (VCV000385038.6), dbSNP rs587730315, ClinGen allele CA1077117.

ClinVar aggregate classification (germline): Benign/Likely benign. Review status: criteria provided, multiple submitters, no conflicts (2 of 4 stars). 2 submissions from 2 submitters: Benign (1); Likely benign (1). Last evaluated 2025-11-23.

Allele frequency attached by ClinVar (database versions not stated): gnomAD 0.00111; 1000 Genomes Project 0.00120; 1000 Genomes Project 30x 0.00125; TOPMed 0.00145.
gnomAD v4.1: 349 of 1,610,354 alleles (0.022%); highest among the groups gnomAD compares: African/African-American, 0.39%; 1 homozygote.

Submissions (2):

Labcorp Genetics (formerly Invitae), Labcorp
Classification: Benign. Last evaluated: 2025-11-23. Review status: criteria provided, single submitter. Criteria: Invitae Variant Classification Sherloc (09022015). Collection method: clinical testing. Allele origin: germline.

GeneDx
Classification: Likely benign. Last evaluated: 2018-02-07. Review status: criteria provided, single submitter. Criteria: GeneDx Variant Classification (06012015). Collection method: clinical testing. Allele origin: germline. Affected: yes.
Comment: This variant is considered likely benign or benign based on one or more of the following criteria: it is a conservative change, it occurs at a poorly conserved position in the protein, it is predicted to be benign by multiple in silico algorithms, and/or has population frequency not consistent with disease.